The following is an entry in ClinVar:

ClinVar aggregate classification (germline): Uncertain significance (1 of 4 stars; one submission).

Submission:

GeneDx
Classification: Uncertain significance. Last evaluated: 2026-04-12. Review status: criteria provided, single submitter. Criteria: GeneDx Variant Classification Process June 2021. Collection method: clinical testing. Allele origin: germline.
Comment: Not observed at significant frequency in large population cohorts (gnomAD); In silico analysis suggests that this missense variant does not alter protein structure/function; Has not been previously published as pathogenic or benign to our knowledge

NM_001378414.1(HDAC4):c.1831A>G (p.Arg611Gly)

Gene: HDAC4 (histone deacetylase 4; minus strand). Cytogenetic location: 2q37.3.
Variant type: single nucleotide variant.
Coding change: c.1831A>G on transcript NM_001378414.1 (MANE Select); coding-DNA position 1831, A replaced by G.
Protein change: p.Arg611Gly; replaces arginine 611 with glycine.
Molecular consequence: missense variant.
Genome position (GRCh38, 1-based): chr2:239,111,673, T>C on the plus strand (A>G on the coding strand, the complement: HDAC4 is on the minus strand). VCF-style: chr2-239111673-T-C. GRCh37 (hg19) VCF-style: chr2-240033369-T-C.
Other names: c.1831A>G, p.Arg611Gly (NM_001378415.1); c.1816A>G, p.Arg606Gly (NM_001378416.1, NM_001378417.1, NM_001435996.1 and 1 more transcripts); c.1750A>G, p.Arg584Gly (NM_001435991.1, NM_001435992.1, NM_001435994.1); c.1672A>G, p.Arg558Gly (NM_001435993.1); c.1735A>G, p.Arg579Gly (NM_001435998.1); short protein forms R558G, R579G, R584G, R606G, R611G.
Identifiers: ClinVar variation 5037096 (VCV005037096.1).
Genomic context (GRCh38, chr2:239,111,673, plus strand): 5'-GCCTGTGGCCGCCGAAGGACACGGGGATGCCGGCGGCCTCCATGGACGCCTGGTAGTTCC[T>C]CAGCTGGTGGATCCGCTGCTGCTCCAGCAGGAGGGCTTGCTGCGGGGAAGAAACGGCCGT-3'
Protein context (NP_001365343.1, residues 601-621): LLEQQRIHQL[Arg611Gly]NYQASMEAAG